The following is an entry in ClinVar:

NM_006885.4(ZFHX3):c.9483C>T (p.Ser3161=)

Genes: ZFHX3 (zinc finger homeobox 3; minus strand), ZFHX3-AS1 (ZFHX3 antisense RNA 1; plus strand). Cytogenetic location: 16q22.2.
Variant type: single nucleotide variant.
Coding change: c.9483C>T on transcript NM_006885.4 (MANE Select); coding-DNA position 9483, C replaced by T.
Protein change: p.Ser3161=; no amino-acid change (serine 3161 retained).
Molecular consequence: synonymous variant.
Genome position (GRCh38, 1-based): chr16:72,788,793, G>A on the plus strand (C>T on the coding strand, the complement: ZFHX3 is on the minus strand). VCF-style: chr16-72788793-G-A. GRCh37 (hg19) VCF-style: chr16-72822692-G-A.
Other names: c.6741C>T, p.Ser2247= (NM_001164766.2); c.9483C>T, p.Ser3161= (NM_001386735.1).
Identifiers: ClinVar variation 3050988 (VCV003050988.3), dbSNP rs75848621, ClinGen allele CA8162847.

ClinVar aggregate classification (germline): Likely benign. Review status: criteria provided, single submitter (1 of 4 stars). 2 submissions from 2 submitters: Likely benign (1). 1 of the submissions does not count toward it. Last evaluated 2024-01-19.

Conditions:
ZFHX3-related disorder. Also called: ZFHX3-related condition.

Allele frequency attached by ClinVar (database versions not stated): gnomAD exomes 0.00009; ExAC 0.00023; gnomAD 0.00088; TOPMed 0.00100; ESP Exome Variant Server 0.00108; 1000 Genomes Project 0.00140; 1000 Genomes Project 30x 0.00187.
gnomAD v4.1: 257 of 1,545,950 alleles (0.017%); highest among the groups gnomAD compares: African/African-American, 0.33%; no homozygotes.

Submissions (2):

Blueprint Genetics
Classification: Likely benign. Last evaluated: 2024-01-19. Review status: criteria provided, single submitter. Criteria: ACMG Guidelines, 2015. Collection method: clinical testing. Allele origin: germline.

PreventionGenetics, part of Exact Sciences
Classification: Likely benign for ZFHX3-related condition. Last evaluated: 2020-01-20. Review status: no assertion criteria provided. Collection method: clinical testing. Allele origin: germline. Not counted in ClinVar's aggregate classification.
Comment: This variant is classified as likely benign based on ACMG/AMP sequence variant interpretation guidelines (Richards et al. 2015 PMID: 25741868, with internal and published modifications).